The following is an entry in ClinVar:

ClinVar aggregate classification (germline): Likely benign (1 of 4 stars; one submission).

gnomAD v4.1: 16 of 1,611,172 alleles (0.00099%); highest among the groups gnomAD compares: East Asian, 0.0022%; no homozygotes.

Submission:

CeGaT Center for Human Genetics Tuebingen
Classification: Likely benign. Last evaluated: 2025-06-01. Review status: criteria provided, single submitter. Criteria: CeGaT Center For Human Genetics Tuebingen Variant Classification Criteria Version 2. Collection method: clinical testing. Allele origin: germline. Affected: yes. Observed: 1 variant allele.
Comment: NOTUM: BP4, BP7

NM_178493.6(NOTUM):c.1218G>A (p.Ser406=)

Gene: NOTUM (notum, palmitoleoyl-protein carboxylesterase; minus strand). Cytogenetic location: 17q25.3.
Variant type: single nucleotide variant.
Coding change: c.1218G>A on transcript NM_178493.6 (MANE Select); coding-DNA position 1218, G replaced by A.
Protein change: p.Ser406=; no amino-acid change (serine 406 retained).
Molecular consequence: synonymous variant.
Genome position (GRCh38, 1-based): chr17:81,953,234, C>T on the plus strand (G>A on the coding strand, the complement: NOTUM is on the minus strand). VCF-style: chr17-81953234-C-T. GRCh37 (hg19) VCF-style: chr17-79911110-C-T.
Identifiers: ClinVar variation 4084665 (VCV004084665.8).